The following is an entry in ClinVar:

ClinVar aggregate classification (germline): Uncertain significance. Review status: criteria provided, multiple submitters, no conflicts (2 of 4 stars). 2 submissions from 2 submitters: Uncertain significance (2). Last evaluated 2022-10-25.

Conditions:
Familial hemophagocytic lymphohistiocytosis 5. Also called: STXBP2-Related Familial Hemophagocytic Lymphohistiocytosis (STXBP2-fHLH). Identifiers: Orphanet 540, MedGen C2751293, MONDO:0013135, OMIM 613101.

Allele frequency attached by ClinVar (database versions not stated): ExAC 0.00001; gnomAD 0.00003; TOPMed 0.00005; ESP Exome Variant Server 0.00016.
gnomAD v4.1: 39 of 1,611,162 alleles (0.0024%); highest among the groups gnomAD compares: Admixed American, 0.02%; no homozygotes.

Submissions (3):

Labcorp Genetics (formerly Invitae), Labcorp
Classification: Uncertain significance for Familial hemophagocytic lymphohistiocytosis 5. Last evaluated: 2022-10-25. Review status: criteria provided, single submitter. Criteria: Invitae Variant Classification Sherloc (09022015). Collection method: clinical testing. Allele origin: germline.
Comment: This sequence change falls in intron 16 of the STXBP2 gene. It does not directly change the encoded amino acid sequence of the STXBP2 protein. This variant is present in population databases (rs372742473, gnomAD 0.006%). This variant has not been reported in the literature in individuals affected with STXBP2-related conditions. ClinVar contains an entry for this variant (Variation ID: 470699). Algorithms developed to predict the effect of sequence changes on RNA splicing suggest that this variant may create or strengthen a splice site. In summary, the available evidence is currently insufficient to determine the role of this variant in disease. Therefore, it has been classified as a Variant of Uncertain Significance.

Genetic Services Laboratory, University of Chicago
Classification: Uncertain significance. Last evaluated: 2021-04-19. Review status: criteria provided, single submitter. Criteria: ACMG Guidelines, 2015. Collection method: clinical testing. Allele origin: germline. Affected: no.
Comment: DNA sequence analysis of the STXBP2 gene demonstrated a sequence change in intron 16, c.1453-9G>A. This change does not appear to have been previously described in individuals with STXBP2-related disorders. This sequence change has been described in the gnomAD database with a low frequency of 0.006% in Latino/Admixed American subpopulation (dbSNP rs372742473). This sequence change is predicted to have a deleterious effect on splicing based on in silico splice prediction programs. It is possible that this sequence change represents a benign sequence change in the STXBP2 gene that has not been identified to date. The functional significance of this sequence change is not known at present and its contribution to this patient's disease phenotype cannot definitively be determined.

Dr. Peter K. Rogan Lab, Western University
No classification provided (evidence only). Condition: Thymoma. Review status: no classification provided. Collection method: in vitro. Allele origin: not applicable. Functional consequence: retained intron. Not counted in ClinVar's aggregate classification.

NM_006949.4(STXBP2):c.1453-9G>A

Gene: STXBP2 (syntaxin binding protein 2; plus strand). Cytogenetic location: 19p13.2.
Variant type: single nucleotide variant.
Coding change: c.1453-9G>A on transcript NM_006949.4 (MANE Select); 9 bases into the intron before coding-DNA position 1453, G replaced by A.
Molecular consequence: intron variant.
Genome position (GRCh38, 1-based): chr19:7,647,153, G>A. VCF-style: chr19-7647153-G-A. GRCh37 (hg19) VCF-style: chr19-7712039-G-A.
Other names: c.1486-9G>A (NM_001272034.2); c.1444-9G>A (NM_001127396.3).
Identifiers: ClinVar variation 470699 (VCV000470699.11), dbSNP rs372742473, ClinGen allele CA9144189.